The following is an entry in ClinVar:

ClinVar aggregate classification (germline): Uncertain significance (1 of 4 stars; one submission).

Submission:

GeneDx
Classification: Uncertain significance. Last evaluated: 2019-11-07. Review status: criteria provided, single submitter. Criteria: GeneDx Variant Classification Process June 2021. Collection method: clinical testing. Allele origin: germline. Affected: yes.
Comment: Not observed in large population cohorts (Lek et al., 2016); In silico analysis, which includes protein predictors and evolutionary conservation, supports that this variant does not alter protein structure/function; Has not been previously published as pathogenic or benign to our knowledge

NM_015602.4(TOR1AIP1):c.274T>C (p.Ser92Pro)

Genes: TOR1AIP1 (torsin 1A interacting protein 1; plus strand), LOC112577517 (Sharpr-MPRA regulatory region 13766; plus strand). Cytogenetic location: 1q25.2.
Variant type: single nucleotide variant.
Coding change: c.274T>C on transcript NM_015602.4 (MANE Select); coding-DNA position 274, T replaced by C.
Protein change: p.Ser92Pro; replaces serine 92 with proline.
Molecular consequence: missense variant.
Genome position (GRCh38, 1-based): chr1:179,882,776, T>C. VCF-style: chr1-179882776-T-C. GRCh37 (hg19) VCF-style: chr1-179851911-T-C.
Other names: c.274T>C, p.Ser92Pro (NM_001267578.2); short protein forms S92P.
Identifiers: ClinVar variation 1309842 (VCV001309842.2), dbSNP rs775375281, ClinGen allele CA343577971.
Genomic context (GRCh38, chr1:179,882,776, plus strand): 5'-CCCCTGGTGGCCAAAGAAAGGTCCCCGGTGGGAAAACGAACCCGGCTAGAAGAGTTCCGG[T>C]CCGATTCTGCGAAAGAGGAAGTGAGAGAAAGCGCGTACTACCTTCGGTCTAGGCAGCGGA-3'
Protein context (NP_056417.2, residues 82-102): GKRTRLEEFR[Ser92Pro]DSAKEEVRES